The following is an entry in ClinVar:

NM_004990.4(MARS1):c.1859_1862del (p.Tyr620fs)

Gene: MARS1 (methionyl-tRNA synthetase 1; plus strand). Cytogenetic location: 12q13.3.
Variant type: Deletion.
Coding change: c.1859_1862del on transcript NM_004990.4 (MANE Select); coding-DNA positions 1859 to 1862, 4 bases deleted (ATCT; older notation c.1859_1862delATCT).
Protein change: p.Tyr620fs; shifts the reading frame from tyrosine 620.
Molecular consequence: frameshift variant.
Genome position (GRCh38, 1-based): chr12:57,512,856-57,512,859, ATCT deleted; deleting any 4 consecutive bases within chr12:57,512,853-57,512,859 gives the same sequence; the c. name uses the placement nearest the transcript's 3' end. VCF-style (leftmost placement, unchanged base first): chr12-57512852-TTCTA-T. GRCh37 (hg19) VCF-style: chr12-57906635-TTCTA-T.
Other names: short protein forms Y620fs.
Identifiers: ClinVar variation 2019907 (VCV002019907.4), dbSNP rs1877591168, ClinGen allele CA948099181.
Genomic context (GRCh38, chr12:57,512,852, plus strand): 5'-GGTGTGGGAGTGTTTGGGGACATGGCCCAGGACACGGGGATCCCTGCTGACATCTGGCGC[TTCTA>T]TCTGCTGTACATTCGGCCTGAGGGCCAGGACAGTGCTTTCTCCTGGACGGACCTGCTGCT-3'

ClinVar aggregate classification (germline): Uncertain significance (1 of 4 stars; one submission).

Conditions:
Severe early-onset pulmonary alveolar proteinosis due to MARS deficiency. Also called: PULMONARY ALVEOLAR PROTEINOSIS, REUNION ISLAND; Interstitial lung and liver disease. Identifiers: Orphanet 440427, MedGen C4225400, MONDO:0014206, OMIM 615486.
Charcot-Marie-Tooth disease axonal type 2U. Also called: CHARCOT-MARIE-TOOTH NEUROPATHY, TYPE 2U; CHARCOT-MARIE-TOOTH DISEASE, AXONAL, AUTOSOMAL DOMINANT, TYPE 2U. Identifiers: Orphanet 397735, MedGen C4084821, MONDO:0014566, OMIM 616280.

Submission:

Labcorp Genetics (formerly Invitae), Labcorp
Classification: Uncertain significance for Charcot-Marie-Tooth disease axonal type 2U; Severe early-onset pulmonary alveolar proteinosis due to MARS deficiency. Last evaluated: 2022-07-27. Review status: criteria provided, single submitter. Criteria: Invitae Variant Classification Sherloc (09022015). Collection method: clinical testing. Allele origin: germline.
Comment: This sequence change creates a premature translational stop signal (p.Tyr620Cysfs*20) in the MARS gene. It is expected to result in an absent or disrupted protein product. However, the current clinical and genetic evidence is not sufficient to establish whether loss-of-function variants in MARS cause disease. This variant is not present in population databases (gnomAD no frequency). This variant has not been reported in the literature in individuals affected with MARS-related conditions. In summary, the available evidence is currently insufficient to determine the role of this variant in disease. Therefore, it has been classified as a Variant of Uncertain Significance.